The following is an entry in ClinVar:

ClinVar aggregate classification (germline): Uncertain significance. Review status: criteria provided, multiple submitters, no conflicts (2 of 4 stars). 2 submissions from 2 submitters: Uncertain significance (2). Last evaluated 2023-06-22.

Conditions:
Spermatogenic failure 18. Identifiers: MedGen C4539783, MONDO:0054615, OMIM 617576.
Ciliary dyskinesia, primary, 37 (CILD37). Also called: CILIARY DYSKINESIA, PRIMARY, 37, WITH OR WITHOUT SITUS INVERSUS. Identifiers: MedGen C4539798, MONDO:0033204, OMIM 617577.

Allele frequency attached by ClinVar (database versions not stated): ExAC 0.00003; gnomAD 0.00003 and 0.00004; gnomAD exomes 0.00004 and 0.00007; TOPMed 0.00004; ESP Exome Variant Server 0.00016.
gnomAD v4.1: 104 of 1,613,754 alleles (0.0064%); highest among the groups gnomAD compares: Non-Finnish European, 0.0084%; no homozygotes.

Submissions (2):

Ambry Genetics
Classification: Uncertain significance. Last evaluated: 2023-06-22. Review status: criteria provided, single submitter. Criteria: Ambry Variant Classification Scheme 2023. Collection method: clinical testing. Allele origin: germline.

Labcorp Genetics (formerly Invitae), Labcorp
Classification: Uncertain significance for Ciliary dyskinesia, primary, 37; Spermatogenic failure 18. Last evaluated: 2022-05-07. Review status: criteria provided, single submitter. Criteria: Invitae Variant Classification Sherloc (09022015). Collection method: clinical testing. Allele origin: germline.
Comment: This sequence change replaces asparagine, which is neutral and polar, with serine, which is neutral and polar, at codon 1127 of the DNAH1 protein (p.Asn1127Ser). This variant is present in population databases (rs200707455, gnomAD 0.009%). This variant has not been reported in the literature in individuals affected with DNAH1-related conditions. ClinVar contains an entry for this variant (Variation ID: 478440). Algorithms developed to predict the effect of missense changes on protein structure and function are either unavailable or do not agree on the potential impact of this missense change (SIFT: "Deleterious"; PolyPhen-2: "Benign"; Align-GVGD: "Class C0"). In summary, the available evidence is currently insufficient to determine the role of this variant in disease. Therefore, it has been classified as a Variant of Uncertain Significance.

NM_015512.5(DNAH1):c.3380A>G (p.Asn1127Ser)

Gene: DNAH1 (dynein axonemal heavy chain 1; plus strand). Cytogenetic location: 3p21.1.
Variant type: single nucleotide variant.
Coding change: c.3380A>G on transcript NM_015512.5 (MANE Select); coding-DNA position 3380, A replaced by G.
Protein change: p.Asn1127Ser; replaces asparagine 1127 with serine.
Molecular consequence: missense variant.
Genome position (GRCh38, 1-based): chr3:52,353,533, A>G. VCF-style: chr3-52353533-A-G. GRCh37 (hg19) VCF-style: chr3-52387549-A-G.
Other names: short protein forms N1127S.
Identifiers: ClinVar variation 478440 (VCV000478440.7), dbSNP rs200707455, ClinGen allele CA2433557.